The following is an entry in ClinVar:

NM_001134831.2(AHI1):c.1404A>G (p.Glu468=)

Gene: AHI1 (Abelson helper integration site 1; minus strand). Cytogenetic location: 6q23.3.
Variant type: single nucleotide variant.
Coding change: c.1404A>G on transcript NM_001134831.2 (MANE Select); coding-DNA position 1404, A replaced by G.
Protein change: p.Glu468=; no amino-acid change (glutamic acid 468 retained).
Molecular consequence: synonymous variant.
Genome position (GRCh38, 1-based): chr6:135,453,377, T>C on the plus strand (A>G on the coding strand, the complement: AHI1 is on the minus strand). VCF-style: chr6-135453377-T-C. GRCh37 (hg19) VCF-style: chr6-135774515-T-C.
Other names: c.1404A>G, p.Glu468= (NM_001134830.2, NM_001134832.2, NM_001350503.2 and 2 more transcripts).
Identifiers: ClinVar variation 697508 (VCV000697508.21), dbSNP rs36069919, ClinGen allele CA4012601.

ClinVar aggregate classification (germline): Benign/Likely benign. Review status: criteria provided, multiple submitters, no conflicts (2 of 4 stars). 7 submissions from 7 submitters: Benign (1); Likely benign (4). 2 of the submissions do not count toward it. Last evaluated 2026-01-24.

Conditions:
AHI1-related disorder. Also called: AHI1-related condition.
Joubert syndrome 3 (JBTS3). Also called: AHI1-related Ciliopathy. Identifiers: Orphanet 220493, MedGen C1837713, MONDO:0012078, OMIM 608629.
Joubert syndrome. Also called: JOUBERT-BOLTSHAUSER SYNDROME; Familial aplasia of the vermis. Identifiers: Orphanet 475, MedGen C5979921, MONDO:0018772.

Allele frequency attached by ClinVar (database versions not stated): gnomAD exomes 0.00038; ESP Exome Variant Server 0.00120; ExAC 0.00130; gnomAD 0.00173 and 0.00187; TOPMed 0.00207; 1000 Genomes Project 0.00339; 1000 Genomes Project 30x 0.00375.
gnomAD v4.1: 458 of 1,562,358 alleles (0.029%); highest among the groups gnomAD compares: African/African-American, 0.53%; 3 homozygotes.

Submissions (7):

Labcorp Genetics (formerly Invitae), Labcorp
Classification: Benign for Joubert syndrome. Last evaluated: 2026-01-24. Review status: criteria provided, single submitter. Criteria: Invitae Variant Classification Sherloc (09022015). Collection method: clinical testing. Allele origin: germline.

Blueprint Genetics
Classification: Likely benign. Last evaluated: 2024-08-28. Review status: criteria provided, single submitter. Criteria: ACMG Guidelines, 2015. Collection method: clinical testing. Allele origin: germline.

Fulgent Genetics
Classification: Likely benign for Joubert syndrome 3. Last evaluated: 2021-08-27. Review status: criteria provided, single submitter. Criteria: ACMG Guidelines, 2015. Collection method: clinical testing. Allele origin: unknown.

GeneDx
Classification: Likely benign. Last evaluated: 2021-04-16. Review status: criteria provided, single submitter. Criteria: GeneDx Variant Classification Process June 2021. Collection method: clinical testing. Allele origin: germline. Affected: yes.

Breakthrough Genomics
Classification: Likely benign. Review status: criteria provided, single submitter. Criteria: ACMG Guidelines, 2015. Collection method: not provided. Allele origin: germline. Inheritance: Autosomal recessive inheritance. Affected: yes.

Genetic Services Laboratory, University of Chicago
Classification: Likely benign. Last evaluated: 2022-08-12. Review status: no assertion criteria provided. Collection method: clinical testing. Allele origin: germline. Affected: no. Not counted in ClinVar's aggregate classification.

PreventionGenetics, part of Exact Sciences
Classification: Likely benign for AHI1-related condition. Last evaluated: 2019-08-02. Review status: no assertion criteria provided. Collection method: clinical testing. Allele origin: germline. Not counted in ClinVar's aggregate classification.
Comment: This variant is classified as likely benign based on ACMG/AMP sequence variant interpretation guidelines (Richards et al. 2015 PMID: 25741868, with internal and published modifications).